The following is an entry in ClinVar:

NM_058216.3(RAD51C):c.1043A>G (p.Asp348Gly)

Gene: RAD51C (RAD51 paralog C; plus strand). Cytogenetic location: 17q22.
Variant type: single nucleotide variant.
Coding change: c.1043A>G on transcript NM_058216.3 (MANE Select); coding-DNA position 1043, A replaced by G.
Protein change: p.Asp348Gly; replaces aspartic acid 348 with glycine.
Molecular consequence: missense variant. On other transcripts: non-coding transcript variant (1).
Genome position (GRCh38, 1-based): chr17:58,734,134, A>G. VCF-style: chr17-58734134-A-G. GRCh37 (hg19) VCF-style: chr17-56811495-A-G.
Other names: c.*471A>G (NM_058217.1); short protein forms D348G.
Identifiers: ClinVar variation 2636349 (VCV002636349.1), dbSNP rs111614311, ClinGen allele CA292074306.

ClinVar aggregate classification (germline): Uncertain significance (1 of 4 stars; one submission).

Conditions:
RAD51C-related disorder. Also called: RAD51C-related condition; RAD51C-related disorders.

Submission:

PreventionGenetics, part of Exact Sciences
Classification: Uncertain significance for RAD51C-related condition. Last evaluated: 2022-08-31. Review status: criteria provided, single submitter. Criteria: ACMG Guidelines, 2015. Collection method: clinical testing. Allele origin: germline.
Comment: The RAD51C c.1043A>G variant is predicted to result in the amino acid substitution p.Asp348Gly. To our knowledge, this variant has not been reported in the literature or in a large population database, indicating this variant is rare. At this time, the clinical significance of this variant is uncertain due to the absence of conclusive functional and genetic evidence.